The following is an entry in ClinVar:

ClinVar aggregate classification (germline): Uncertain significance (1 of 4 stars; one submission).

Submission:

Women's Health and Genetics/Laboratory Corporation of America, LabCorp
Classification: Uncertain significance. Last evaluated: 2024-08-13. Review status: criteria provided, single submitter. Criteria: LabCorp Variant Classification Summary - May 2015. Collection method: clinical testing. Allele origin: germline.
Comment: Variant summary: SGCB c.416G>T (p.Gly139Val) results in a non-conservative amino acid change in the encoded protein sequence. Five of five in-silico tools predict a damaging effect of the variant on protein function. The variant was absent in 251438 control chromosomes. The available data on variant occurrences in the general population are insufficient to allow any conclusion about variant significance. c.416G>T has been reported in the literature in an individual affected with Limb-Girdle Muscular Dystrophy, Autosomal Recessive without detected second allele variant (Amin Khodadadegan_2022, no PubMed ID). These report(s) do not provide unequivocal conclusions about association of the variant with Limb-Girdle Muscular Dystrophy, Autosomal Recessive. At least one publication reports experimental evidence evaluating an impact on protein function, however, does not allow convincing conclusions about the variant effect (Li_2023). No submitters have cited clinical-significance assessments for this variant to ClinVar. Based on the evidence outlined above, the variant was classified as uncertain significance.

Literature cited by the submitters: PubMed 37317968.

NM_000232.5(SGCB):c.416G>T (p.Gly139Val)

Gene: SGCB (sarcoglycan beta; minus strand). Cytogenetic location: 4q12.
Variant type: single nucleotide variant.
Coding change: c.416G>T on transcript NM_000232.5 (MANE Select); coding-DNA position 416, G replaced by T.
Protein change: p.Gly139Val; replaces glycine 139 with valine.
Molecular consequence: missense variant.
Genome position (GRCh38, 1-based): chr4:52,029,691, C>A on the plus strand (G>T on the coding strand, the complement: SGCB is on the minus strand). VCF-style: chr4-52029691-C-A. GRCh37 (hg19) VCF-style: chr4-52895857-C-A.
Other names: short protein forms G139V.
Identifiers: ClinVar variation 3366826 (VCV003366826.1).